The following is an entry in ClinVar:

NM_004168.4(SDHA):c.1417G>A (p.Glu473Lys)

Gene: SDHA (succinate dehydrogenase complex flavoprotein subunit A; plus strand). Cytogenetic location: 5p15.33.
Variant type: single nucleotide variant.
Coding change: c.1417G>A on transcript NM_004168.4 (MANE Select); coding-DNA position 1417, G replaced by A.
Protein change: p.Glu473Lys; replaces glutamic acid 473 with lysine.
Molecular consequence: missense variant.
Genome position (GRCh38, 1-based): chr5:236,584, G>A. VCF-style: chr5-236584-G-A. GRCh37 (hg19) VCF-style: chr5-236699-G-A.
Other names: c.1273G>A, p.Glu425Lys (NM_001294332.2); c.1417G>A, p.Glu473Lys (NM_001330758.2); short protein forms E425K, E473K.
Identifiers: ClinVar variation 3951349 (VCV003951349.1).

ClinVar aggregate classification (germline): Uncertain significance (1 of 4 stars; one submission).

Conditions:
Hereditary cancer-predisposing syndrome. Also called: Tumor predisposition; Hereditary neoplastic syndrome; Hereditary Cancer Syndrome; Neoplastic Syndromes, Hereditary. Identifiers: Orphanet 140162, MedGen C0027672, MeSH D009386, MONDO:0015356.

Submission:

Ambry Genetics
Classification: Uncertain significance for Hereditary cancer-predisposing syndrome. Last evaluated: 2025-05-01. Review status: criteria provided, single submitter. Criteria: Ambry Variant Classification Scheme 2023. Collection method: clinical testing. Allele origin: germline.
Comment: The p.E473K variant (also known as c.1417G>A), located in coding exon 10 of the SDHA gene, results from a G to A substitution at nucleotide position 1417. The glutamic acid at codon 473 is replaced by lysine, an amino acid with similar properties. This amino acid position is conserved. In addition, the in silico prediction for this alteration is inconclusive. Based on the available evidence, the clinical significance of this variant remains unclear.